The following is an entry in ClinVar:

NM_004656.4(BAP1):c.2137C>T (p.Arg713Trp)

Gene: BAP1 (BRCA1 associated deubiquitinase 1; minus strand). Cytogenetic location: 3p21.1.
Variant type: single nucleotide variant.
Coding change: c.2137C>T on transcript NM_004656.4 (MANE Select); coding-DNA position 2137, C replaced by T.
Protein change: p.Arg713Trp; replaces arginine 713 with tryptophan.
Molecular consequence: missense variant.
Genome position (GRCh38, 1-based): chr3:52,402,341, G>A on the plus strand (C>T on the coding strand, the complement: BAP1 is on the minus strand). VCF-style: chr3-52402341-G-A. GRCh37 (hg19) VCF-style: chr3-52436357-G-A.
Other names: c.2137C>T (NM_004656.2); short protein forms R713W.
Identifiers: ClinVar variation 1017969 (VCV001017969.6), dbSNP rs1704983297, ClinGen allele CA353094179.

ClinVar aggregate classification (germline): Uncertain significance. Review status: criteria provided, multiple submitters, no conflicts (2 of 4 stars). 2 submissions from 2 submitters: Uncertain significance (2). Last evaluated 2024-12-02.

Conditions:
Hereditary cancer-predisposing syndrome. Also called: Tumor predisposition; Neoplastic Syndromes, Hereditary; Hereditary neoplastic syndrome; Hereditary Cancer Syndrome. Identifiers: Orphanet 140162, MedGen C0027672, MeSH D009386, MONDO:0015356.
BAP1-related tumor predisposition syndrome (TPDS1). Also called: TUMOR PREDISPOSITION SYNDROME 1; COMMON Syndrome; Tumor susceptibility linked to germline BAP1 mutations; BAP1 tumor predisposition syndrome. Identifiers: Orphanet 289539, MedGen C3280492, MONDO:0013692, OMIM 614327.

Allele frequency attached by ClinVar (database versions not stated): gnomAD exomes below 0.00001.
gnomAD v4.1: 2 of 1,588,984 alleles (0.00013%); highest among the groups gnomAD compares: Non-Finnish European, 0.00017%; no homozygotes.

Submissions (2):

Labcorp Genetics (formerly Invitae), Labcorp
Classification: Uncertain significance for BAP1-related tumor predisposition syndrome. Last evaluated: 2024-12-02. Review status: criteria provided, single submitter. Criteria: Invitae Variant Classification Sherloc (09022015). Collection method: clinical testing. Allele origin: germline.
Comment: This sequence change replaces arginine, which is basic and polar, with tryptophan, which is neutral and slightly polar, at codon 713 of the BAP1 protein (p.Arg713Trp). This variant is not present in population databases (gnomAD no frequency). This variant has not been reported in the literature in individuals affected with BAP1-related conditions. ClinVar contains an entry for this variant (Variation ID: 1017969). Invitae Evidence Modeling of protein sequence and biophysical properties (such as structural, functional, and spatial information, amino acid conservation, physicochemical variation, residue mobility, and thermodynamic stability) indicates that this missense variant is not expected to disrupt BAP1 protein function with a negative predictive value of 80%. In summary, the available evidence is currently insufficient to determine the role of this variant in disease. Therefore, it has been classified as a Variant of Uncertain Significance.

Ambry Genetics
Classification: Uncertain significance for Hereditary cancer-predisposing syndrome. Last evaluated: 2023-10-08. Review status: criteria provided, single submitter. Criteria: Ambry Variant Classification Scheme 2023. Collection method: clinical testing. Allele origin: germline.
Comment: The p.R713W variant (also known as c.2137C>T), located in coding exon 17 of the BAP1 gene, results from a C to T substitution at nucleotide position 2137. The arginine at codon 713 is replaced by tryptophan, an amino acid with dissimilar properties. This amino acid position is conserved. In addition, this alteration is predicted to be tolerated by in silico analysis. Since supporting evidence is limited at this time, the clinical significance of this alteration remains unclear.